The following is an entry in ClinVar:

ClinVar aggregate classification (germline): Conflicting classifications of pathogenicity. Review status: criteria provided, conflicting classifications (1 of 4 stars). 8 submissions from 8 submitters: Uncertain significance (7); Benign (1). Last evaluated 2025-12-01.

Conditions:
Inborn genetic diseases. Identifiers: MedGen C0950123, MeSH D030342.
Malignant hyperthermia, susceptibility to, 5 (MHS5). Also called: CACNA1S-Related Malignant Hyperthermia Susceptibility. Identifiers: Orphanet 423, MedGen C1866077, MONDO:0011163, OMIM 601887.
Hypokalemic periodic paralysis, type 1. Also called: Hypokalemic Periodic Paralysis Type 1 (AD); HypoPP. Identifiers: Orphanet 681, MedGen C3714580, MONDO:0042979, OMIM 170400.
Thyrotoxic periodic paralysis, susceptibility to, 1 (TTPP1). Identifiers: Orphanet 79102, MedGen C2749982, MONDO:0008570, OMIM 188580.
Congenital myopathy 18. Also called: Myopathy, congenital, due to dihydropyridine receptor defect; DIHYDROPYRIDINE RECEPTOR CONGENITAL MYOPATHY; DHPR CONGENITAL MYOPATHY. Identifiers: MedGen C5830283, MONDO:0859514, OMIM 620246.
CACNA1S-related disorder. Also called: CACNA1S-related condition.

Allele frequency attached by ClinVar (database versions not stated): gnomAD exomes 0.00005 and 0.00006; ExAC 0.00011; TOPMed 0.00011; gnomAD 0.00013; ESP Exome Variant Server 0.00023.
gnomAD v4.1: 98 of 1,614,012 alleles (0.0061%); highest among the groups gnomAD compares: Middle Eastern, 0.049%; 1 homozygote.

Submissions (8):

Labcorp Genetics (formerly Invitae), Labcorp
Classification: Benign for Hypokalemic periodic paralysis, type 1; Malignant hyperthermia, susceptibility to, 5. Last evaluated: 2025-12-01. Review status: criteria provided, single submitter. Criteria: Invitae Variant Classification Sherloc (09022015). Collection method: clinical testing. Allele origin: germline.

All of Us Research Program, National Institutes of Health
Classification: Uncertain significance for Malignant hyperthermia, susceptibility to, 5. Last evaluated: 2024-07-10. Review status: criteria provided, single submitter. Criteria: ACMG Guidelines, 2015. Collection method: clinical testing. Allele origin: germline. Inheritance: Autosomal dominant inheritance. Observed: 18 variant alleles, 18 heterozygotes.
Comment: This missense variant replaces arginine with cysteine at codon 489 of the CACNA1S protein. Computational prediction suggests that this variant may have deleterious impact on protein structure and function (internally defined REVEL score threshold >= 0.7, PMID: 27666373). To our knowledge, functional studies have not been reported for this variant. This variant has not been reported in individuals affected with CACNA1S-related disorders in the literature. This variant has been identified in 19/282876 chromosomes in the general population by the Genome Aggregation Database (gnomAD). The available evidence is insufficient to determine the role of this variant in disease conclusively. Therefore, this variant is classified as a Variant of Uncertain Significance.

This study involves interpretation of variants in research participants for the purpose of population health screening. Participant phenotype was not available at the time of variant classification. Additional details can be found in publication PMID: 35346344, PMCID: PMC8962531

Fulgent Genetics
Classification: Uncertain significance for Hypokalemic periodic paralysis, type 1; Thyrotoxic periodic paralysis, susceptibility to, 1; Malignant hyperthermia, susceptibility to, 5; Congenital myopathy 18. Last evaluated: 2024-05-07. Review status: criteria provided, single submitter. Criteria: ACMG Guidelines, 2015. Collection method: clinical testing. Allele origin: germline.

Color Diagnostics, LLC DBA Color Health
Classification: Uncertain significance for Malignant hyperthermia, susceptibility to, 5. Last evaluated: 2024-03-06. Review status: criteria provided, single submitter. Criteria: ACMG Guidelines, 2015. Collection method: clinical testing. Allele origin: germline.
Comment: This missense variant replaces arginine with cysteine at codon 489 of the CACNA1S protein. Computational prediction suggests that this variant may have deleterious impact on protein structure and function. To our knowledge, functional studies have not been reported for this variant. This variant has not been reported in individuals affected with CACNA1S-related disorders in the literature. This variant has been identified in 19/282876 chromosomes in the general population by the Genome Aggregation Database (gnomAD). The available evidence is insufficient to determine the role of this variant in disease conclusively. Therefore, this variant is classified as a Variant of Uncertain Significance.

PreventionGenetics, part of Exact Sciences
Classification: Uncertain significance for CACNA1S-related condition. Last evaluated: 2023-03-20. Review status: criteria provided, single submitter. Criteria: ACMG Guidelines, 2015. Collection method: clinical testing. Allele origin: germline.
Comment: The CACNA1S c.1465C>T variant is predicted to result in the amino acid substitution p.Arg489Cys. To our knowledge, this variant has not been reported in the literature. This variant is reported in 0.024% of alleles in individuals of African descent in gnomAD. Although we suspect that this variant may be benign, at this time, the clinical significance of this variant is uncertain due to the absence of conclusive functional and genetic evidence.

Ambry Genetics
Classification: Uncertain significance for Inborn genetic diseases. Last evaluated: 2021-10-29. Review status: criteria provided, single submitter. Criteria: Ambry Variant Classification Scheme 2023. Collection method: clinical testing. Allele origin: germline.

GeneDx
Classification: Uncertain significance. Last evaluated: 2021-02-12. Review status: criteria provided, single submitter. Criteria: GeneDx Variant Classification Process June 2021. Collection method: clinical testing. Allele origin: germline. Affected: yes.
Comment: Has not been previously published as pathogenic or benign to our knowledge; In silico analysis supports that this missense variant has a deleterious effect on protein structure/function

Illumina Laboratory Services, Illumina
Classification: Uncertain significance for Hypokalemic periodic paralysis, type 1. Last evaluated: 2018-01-12. Review status: criteria provided, single submitter. Criteria: ICSL Variant Classification Criteria 13 December 2019. Collection method: clinical testing. Allele origin: germline.

NM_000069.3(CACNA1S):c.1465C>T (p.Arg489Cys)

Gene: CACNA1S (calcium voltage-gated channel subunit alpha1 S; minus strand). Cytogenetic location: 1q32.1.
Variant type: single nucleotide variant.
Coding change: c.1465C>T on transcript NM_000069.3 (MANE Select); coding-DNA position 1465, C replaced by T.
Protein change: p.Arg489Cys; replaces arginine 489 with cysteine.
Molecular consequence: missense variant.
Genome position (GRCh38, 1-based): chr1:201,078,033, G>A on the plus strand (C>T on the coding strand, the complement: CACNA1S is on the minus strand). VCF-style: chr1-201078033-G-A. GRCh37 (hg19) VCF-style: chr1-201047161-G-A.
Other names: short protein forms R489C.
Identifiers: ClinVar variation 546529 (VCV000546529.18), dbSNP rs138364213, ClinGen allele CA078252.